The following is an entry in ClinVar:

ClinVar aggregate classification (germline): Uncertain significance (1 of 4 stars; one submission).

Allele frequency attached by ClinVar (database versions not stated): TOPMed 0.00001; ESP Exome Variant Server 0.00008.

Submission:

GeneDx
Classification: Uncertain significance. Last evaluated: 2025-03-13. Review status: criteria provided, single submitter. Criteria: GeneDx Variant Classification Process June 2021. Collection method: clinical testing. Allele origin: germline. Affected: yes.
Comment: In silico analysis supports a deleterious effect on splicing; Has not been previously published as pathogenic or benign to our knowledge

NM_000419.5(ITGA2B):c.3061-7C>G

Gene: ITGA2B (integrin subunit alpha 2b; minus strand). Cytogenetic location: 17q21.31.
Variant type: single nucleotide variant.
Coding change: c.3061-7C>G on transcript NM_000419.5 (MANE Select); 7 bases into the intron before coding-DNA position 3061, C replaced by G.
Molecular consequence: intron variant.
Genome position (GRCh38, 1-based): chr17:44,372,430, G>C on the plus strand (C>G on the coding strand, the complement: ITGA2B is on the minus strand). VCF-style: chr17-44372430-G-C. GRCh37 (hg19) VCF-style: chr17-42449798-G-C.
Other names: c.3061-7C>G (LRG_479t1).
Identifiers: ClinVar variation 546266 (VCV000546266.3), dbSNP rs371047361, ClinGen allele CA290942869.